The following is an entry in ClinVar:

NM_000038.6(APC):c.2474A>G (p.Tyr825Cys)

Gene: APC (APC regulator of Wnt signaling pathway; plus strand). Cytogenetic location: 5q22.2.
Variant type: single nucleotide variant.
Coding change: c.2474A>G on transcript NM_000038.6 (MANE Select); coding-DNA position 2474, A replaced by G.
Protein change: p.Tyr825Cys; replaces tyrosine 825 with cysteine.
Molecular consequence: missense variant.
Genome position (GRCh38, 1-based): chr5:112,838,068, A>G. VCF-style: chr5-112838068-A-G. GRCh37 (hg19) VCF-style: chr5-112173765-A-G.
Other names: c.2474A>G, p.Tyr825Cys (NM_001127510.3, NM_001354895.2); c.2420A>G, p.Tyr807Cys (NM_001127511.3); c.2528A>G, p.Tyr843Cys (NM_001354896.2); c.2504A>G, p.Tyr835Cys (NM_001354897.2); c.2399A>G, p.Tyr800Cys (NM_001354898.2); c.2390A>G, p.Tyr797Cys (NM_001354899.2); c.2351A>G, p.Tyr784Cys (NM_001354900.2); c.2297A>G, p.Tyr766Cys (NM_001354901.2); and 5 more; short protein forms Y807C, Y825C, Y734C, Y797C, Y766C, Y800C, Y542C, Y665C.
Identifiers: ClinVar variation 232924 (VCV000232924.26), dbSNP rs186641437, ClinGen allele CA032224.
Genomic context (GRCh38, chr5:112,838,068, plus strand): 5'-GACATGATGATAATAGGTCAGACAATTTTAATACTGGCAACATGACTGTCCTTTCACCAT[A>G]TTTGAATACTACAGTGTTACCCAGCTCCTCTTCATCAAGAGGAAGCTTAGATAGTTCTCG-3'
Protein context (NP_000029.2, residues 815-835): NTGNMTVLSP[Tyr825Cys]LNTTVLPSSS

ClinVar aggregate classification (germline): Conflicting classifications of pathogenicity. Review status: criteria provided, conflicting classifications (1 of 4 stars). 10 submissions from 10 submitters: Uncertain significance (7); Likely benign (3). Last evaluated 2025-10-01.

Conditions:
Hereditary cancer-predisposing syndrome. Also called: Hereditary neoplastic syndrome; Tumor predisposition; Neoplastic Syndromes, Hereditary; Hereditary Cancer Syndrome. Identifiers: Orphanet 140162, MedGen C0027672, MeSH D009386, MONDO:0015356.
Classic or attenuated familial adenomatous polyposis. Identifiers: MedGen CN372698, MONDO:0021057.
Carcinoma of colon (CRC). Also called: Colon carcinoma; Colonic carcinoma. Identifiers: MedGen C0699790, MONDO:0002032.
Hepatocellular carcinoma (HCC). Also called: Primary carcinoma of liver; HEPATOMA; LIVER CELL CARCINOMA. Identifiers: Orphanet 88673, MedGen C2239176, MONDO:0007256, OMIM 114550, HP:0001402.
Desmoid disease, hereditary (DESMD). Also called: FIBROMATOSIS, FAMILIAL INFILTRATIVE. Identifiers: Orphanet 873, MedGen C1851124, OMIM 135290. Disease mechanism: loss of function.
Familial adenomatous polyposis 1 (FAP1). Also called: POLYPOSIS, ADENOMATOUS INTESTINAL; FAMILIAL ADENOMATOUS POLYPOSIS 1, ATTENUATED. Identifiers: MedGen C2713442, MONDO:0021056, OMIM 175100. Disease mechanism: loss of function.
Neoplasm of stomach. Also called: Gastric neoplasm; Stomach Neoplasms; Neoplasm of the stomach. Identifiers: MedGen C0038356, MONDO:0021085, HP:0006753. Disease mechanism: gain of function. Inheritance: Somatic mutation.

Allele frequency attached by ClinVar (database versions not stated): gnomAD exomes 0.00002 and 0.00001; 1000 Genomes Project 0.00040; gnomAD 0.00003 and 0.00001; 1000 Genomes Project 30x 0.00031; ExAC 0.00002.
gnomAD v4.1: 11 of 1,614,204 alleles (0.00068%); highest among the groups gnomAD compares: Admixed American, 0.017%; no homozygotes.

Submissions (10):

Labcorp Genetics (formerly Invitae), Labcorp
Classification: Uncertain significance for Familial adenomatous polyposis 1. Last evaluated: 2025-10-01. Review status: criteria provided, single submitter. Criteria: Invitae Variant Classification Sherloc (09022015). Collection method: clinical testing. Allele origin: germline.
Comment: This sequence change replaces tyrosine, which is neutral and polar, with cysteine, which is neutral and slightly polar, at codon 825 of the APC protein (p.Tyr825Cys). This variant is present in population databases (rs186641437, gnomAD 0.02%). This variant has not been reported in the literature in individuals affected with APC-related conditions. ClinVar contains an entry for this variant (Variation ID: 232924). Invitae Evidence Modeling of protein sequence and biophysical properties (such as structural, functional, and spatial information, amino acid conservation, physicochemical variation, residue mobility, and thermodynamic stability) indicates that this missense variant is not expected to disrupt APC protein function with a negative predictive value of 95%. In summary, the available evidence is currently insufficient to determine the role of this variant in disease. Therefore, it has been classified as a Variant of Uncertain Significance.

Quest Diagnostics Nichols Institute San Juan Capistrano
Classification: Uncertain significance. Last evaluated: 2025-02-19. Review status: criteria provided, single submitter. Criteria: Quest Diagnostics criteria. Collection method: clinical testing. Allele origin: unknown.
Comment: The APC c.2474A>G (p.Tyr825Cys) variant has not been reported in individuals with APC-related conditions in the published literature. The frequency of this variant in the general population (Genome Aggregation Database) is higher than would generally be expected for pathogenic variants in this gene. Analysis of this variant using bioinformatics tools for the prediction of the effect of amino acid changes on protein structure and function yielded predictions that this variant is damaging. Based on the available information, we are unable to determine the clinical significance of this variant.

Molecular Diagnostics Laboratory, Catalan Institute of Oncology
Classification: Likely benign for Hereditary cancer-predisposing syndrome. Last evaluated: 2025-02-11. Review status: criteria provided, single submitter. Criteria: ClinGen ACMG Specifications APC V1.0.0. Collection method: clinical testing. Allele origin: germline.
Comment: BS1, BP1 c.2474A>G, located in exon 16 of the APC gene, is predicted to result in the substitution of Tyr by Cys at codon 825, p.(Tyr825Cys) (BP1).The variant allele was found in 6/35106 alleles, with a filter allele frequency of 0.007% at 95% confidence, within the Latino population in the gnomAD v2.1.1 database (non-cancer data set) (BS1). The SpliceAI algorithm predicts no significant impact on splicing. To our knowledge, functional studies have not been reported for this variant. At present ClinVar does not describe pathogenic or likely pathogenic missense variants in this codon. This variant has been reported in ClinVar database (1x likely benign, 6x uncertain significance), but it is not present in the LOVD database. Based on currently available information, the variant c.2474A>G should be considered a likely benign variant.

Color Diagnostics, LLC DBA Color Health
Classification: Likely benign for Hereditary cancer-predisposing syndrome. Last evaluated: 2024-10-07. Review status: criteria provided, single submitter. Criteria: ACMG Guidelines, 2015. Collection method: clinical testing. Allele origin: germline.

All of Us Research Program, National Institutes of Health
Classification: Uncertain significance for Classic or attenuated familial adenomatous polyposis. Last evaluated: 2024-06-09. Review status: criteria provided, single submitter. Criteria: ACMG Guidelines, 2015. Collection method: clinical testing. Allele origin: germline. Inheritance: Autosomal dominant inheritance. Observed: 2 variant alleles, 2 heterozygotes.
Comment: This missense variant replaces tyrosine with cysteine at codon 825 of the APC protein. Computational prediction is inconclusive regarding the impact of this variant on protein structure and function (internally defined REVEL score threshold 0.5 < inconclusive < 0.7, PMID: 27666373). To our knowledge, functional studies have not been reported for this variant. This variant has not been reported in individuals affected with APC-related disorders in the literature. This variant has been identified in 6/282358 chromosomes in the general population by the Genome Aggregation Database (gnomAD). The available evidence is insufficient to determine the role of this variant in disease conclusively. Therefore, this variant is classified as a Variant of Uncertain Significance.

This study involves interpretation of variants in research participants for the purpose of population health screening. Participant phenotype was not available at the time of variant classification. Additional details can be found in publication PMID: 35346344, PMCID: PMC8962531

Baylor Genetics
Classification: Uncertain significance for Familial adenomatous polyposis 1. Last evaluated: 2024-02-27. Review status: criteria provided, single submitter. Criteria: ACMG Guidelines, 2015. Collection method: clinical testing. Allele origin: unknown.

GeneDx
Classification: Uncertain significance. Last evaluated: 2023-04-27. Review status: criteria provided, single submitter. Criteria: GeneDx Variant Classification Process June 2021. Collection method: clinical testing. Allele origin: germline. Affected: yes.
Comment: In silico analysis supports that this missense variant has a deleterious effect on protein structure/function; Has not been previously published as pathogenic or benign to our knowledge; This variant is associated with the following publications: (PMID: 32686686, 31257224)

Ambry Genetics
Classification: Likely benign for Hereditary cancer-predisposing syndrome. Last evaluated: 2021-09-09. Review status: criteria provided, single submitter. Criteria: Ambry Variant Classification Scheme 2023. Collection method: clinical testing. Allele origin: germline.

Women's Health and Genetics/Laboratory Corporation of America, LabCorp
Classification: Uncertain significance. Last evaluated: 2020-02-10. Review status: criteria provided, single submitter. Criteria: LabCorp Variant Classification Summary - May 2015. Collection method: clinical testing. Allele origin: germline.
Comment: Variant summary: APC c.2474A>G (p.Tyr825Cys) results in a non-conservative amino acid change in the encoded protein sequence. Five of five in-silico tools predict a damaging effect of the variant on protein function. The variant allele was found at a frequency of 2e-05 in 250968 control chromosomes (gnomAD). The available data on variant occurrences in the general population are insufficient to allow any conclusion about variant significance. To our knowledge, no occurrence of c.2474A>G in individuals affected with Familial Adenomatous Polyposis and no experimental evidence demonstrating its impact on protein function have been reported. Five ClinVar submitters (evaluation after 2014) cite the variant as uncertain significance. Based on the evidence outlined above, the variant was classified as uncertain significance.

Fulgent Genetics
Classification: Uncertain significance for Colorectal cancer; Hepatocellular carcinoma; Desmoid disease, hereditary; Familial adenomatous polyposis 1; Gastric cancer. Last evaluated: 2018-10-31. Review status: criteria provided, single submitter. Criteria: ACMG Guidelines, 2015. Collection method: clinical testing. Allele origin: unknown.